The following is an entry in ClinVar:

ClinVar aggregate classification (germline): Uncertain significance (1 of 4 stars; one submission).

Conditions:
Hereditary cancer-predisposing syndrome. Also called: Neoplastic Syndromes, Hereditary; Tumor predisposition; Hereditary Cancer Syndrome; Hereditary neoplastic syndrome. Identifiers: Orphanet 140162, MedGen C0027672, MeSH D009386, MONDO:0015356.

Submission:

Color Diagnostics, LLC DBA Color Health
Classification: Uncertain significance for Hereditary cancer-predisposing syndrome. Last evaluated: 2024-03-06. Review status: criteria provided, single submitter. Criteria: ACMG Guidelines, 2015. Collection method: clinical testing. Allele origin: germline.
Comment: This missense variant replaces threonine with serine at codon 1840 of the ATM protein. Computational prediction suggests that this variant may not impact protein structure and function (internally defined REVEL score threshold <= 0.5, PMID: 27666373). Splice site prediction tools suggest that this variant may not impact RNA splicing. To our knowledge, functional studies have not been performed for this variant. This variant has not been reported in individuals affected with hereditary cancer in the literature. This variant has not been identified in the general population by the Genome Aggregation Database (gnomAD). The available evidence is insufficient to determine the role of this variant in disease conclusively. Therefore, this variant is classified as a Variant of Uncertain Significance.

NM_000051.4(ATM):c.5519C>G (p.Thr1840Ser)

Gene: ATM (ATM serine/threonine kinase; plus strand). Cytogenetic location: 11q22.3.
Variant type: single nucleotide variant.
Coding change: c.5519C>G on transcript NM_000051.4 (MANE Select); coding-DNA position 5519, C replaced by G.
Protein change: p.Thr1840Ser; replaces threonine 1840 with serine.
Molecular consequence: missense variant.
Genome position (GRCh38, 1-based): chr11:108,304,697, C>G. VCF-style: chr11-108304697-C-G. GRCh37 (hg19) VCF-style: chr11-108175424-C-G.
Other names: c.5519C>G, p.Thr1840Ser (NM_001351834.2); short protein forms T1840S.
Identifiers: ClinVar variation 924722 (VCV000924722.4), dbSNP rs2083591643, ClinGen allele CA382545796.